The following is an entry in ClinVar:

NM_003738.5(PTCH2):c.3166G>C (p.Glu1056Gln)

Gene: PTCH2 (patched 2; minus strand). Cytogenetic location: 1p34.1.
Variant type: single nucleotide variant.
Coding change: c.3166G>C on transcript NM_003738.5 (MANE Select); coding-DNA position 3166, G replaced by C.
Protein change: p.Glu1056Gln; replaces glutamic acid 1056 with glutamine.
Molecular consequence: missense variant.
Genome position (GRCh38, 1-based): chr1:44,823,334, C>G on the plus strand (G>C on the coding strand, the complement: PTCH2 is on the minus strand). VCF-style: chr1-44823334-C-G. GRCh37 (hg19) VCF-style: chr1-45289006-C-G.
Other names: c.3166G>C, p.Glu1056Gln (NM_001166292.2); short protein forms E1056Q.
Identifiers: ClinVar variation 937632 (VCV000937632.11), dbSNP rs1488300164, ClinGen allele CA340106993.

ClinVar aggregate classification (germline): Uncertain significance. Review status: criteria provided, multiple submitters, no conflicts (2 of 4 stars). 2 submissions from 2 submitters: Uncertain significance (2). Last evaluated 2024-06-25.

Conditions:
Basal cell carcinoma, susceptibility to, 1. Also called: BCC1. Identifiers: MedGen C2751544, MONDO:0011556, OMIM 605462.
Medulloblastoma (MDB). Also called: Medulloblastoma, somatic; MEDULLOBLASTOMA PREDISPOSITION SYNDROME. Identifiers: Orphanet 616, MedGen C0025149, MeSH D008527, MONDO:0007959, OMIM 155255, HP:0002885.
Gorlin syndrome. Also called: Nevoid Basal Cell Carcinoma Syndrome; Basal cell nevus syndrome. Identifiers: Orphanet 377, MedGen C0004779, MONDO:0007187.

Allele frequency attached by ClinVar (database versions not stated): gnomAD exomes 0.00001 and 0.00003; gnomAD 0.00002 and 0.00003; TOPMed 0.00003.
gnomAD v4.1: 16 of 1,614,108 alleles (0.00099%); highest among the groups gnomAD compares: Admixed American, 0.015%; no homozygotes.

Submissions (2):

Labcorp Genetics (formerly Invitae), Labcorp
Classification: Uncertain significance for Gorlin syndrome. Last evaluated: 2024-06-25. Review status: criteria provided, single submitter. Criteria: Invitae Variant Classification Sherloc (09022015). Collection method: clinical testing. Allele origin: germline.
Comment: This sequence change replaces glutamic acid, which is acidic and polar, with glutamine, which is neutral and polar, at codon 1056 of the PTCH2 protein (p.Glu1056Gln). This variant is present in population databases (no rsID available, gnomAD 0.02%). This variant has not been reported in the literature in individuals affected with PTCH2-related conditions. ClinVar contains an entry for this variant (Variation ID: 937632). Advanced modeling of protein sequence and biophysical properties (such as structural, functional, and spatial information, amino acid conservation, physicochemical variation, residue mobility, and thermodynamic stability) performed at Invitae indicates that this missense variant is not expected to disrupt PTCH2 protein function with a negative predictive value of 80%. In summary, the available evidence is currently insufficient to determine the role of this variant in disease. Therefore, it has been classified as a Variant of Uncertain Significance.

Fulgent Genetics
Classification: Uncertain significance for Medulloblastoma; Basal cell carcinoma, susceptibility to, 1. Last evaluated: 2024-05-07. Review status: criteria provided, single submitter. Criteria: ACMG Guidelines, 2015. Collection method: clinical testing. Allele origin: germline.